The following is an entry in ClinVar:

NM_006509.4(RELB):c.874G>A (p.Val292Ile)

Gene: RELB (RELB proto-oncogene, NF-kB subunit; plus strand). Cytogenetic location: 19q13.32.
Variant type: single nucleotide variant.
Coding change: c.874G>A on transcript NM_006509.4 (MANE Select); coding-DNA position 874, G replaced by A.
Protein change: p.Val292Ile; replaces valine 292 with isoleucine.
Molecular consequence: missense variant.
Genome position (GRCh38, 1-based): chr19:45,025,725, G>A. VCF-style: chr19-45025725-G-A. GRCh37 (hg19) VCF-style: chr19-45528983-G-A.
Other names: short protein forms V292I.
Identifiers: ClinVar variation 1370673 (VCV001370673.6), dbSNP rs374893001, ClinGen allele CA9507674.

ClinVar aggregate classification (germline): Uncertain significance (1 of 4 stars; one submission).

Allele frequency attached by ClinVar (database versions not stated): gnomAD 0.00006 and 0.00007; ExAC 0.00007; gnomAD exomes 0.00007; ESP Exome Variant Server 0.00008; TOPMed 0.00008; 1000 Genomes Project 30x 0.00016; 1000 Genomes Project 0.00020.
gnomAD v4.1: 178 of 1,613,960 alleles (0.011%); highest among the groups gnomAD compares: Middle Eastern, 0.017%; no homozygotes.

Submission:

Labcorp Genetics (formerly Invitae), Labcorp
Classification: Uncertain significance. Last evaluated: 2025-09-10. Review status: criteria provided, single submitter. Criteria: Invitae Variant Classification Sherloc (09022015). Collection method: clinical testing. Allele origin: germline.
Comment: This sequence change replaces valine, which is neutral and non-polar, with isoleucine, which is neutral and non-polar, at codon 292 of the RELB protein (p.Val292Ile). This variant is present in population databases (rs374893001, gnomAD 0.01%). This variant has not been reported in the literature in individuals affected with RELB-related conditions. ClinVar contains an entry for this variant (Variation ID: 1370673). An algorithm developed to predict the effect of missense changes on protein structure and function (PolyPhen-2) suggests that this variant is likely to be tolerated. In summary, the available evidence is currently insufficient to determine the role of this variant in disease. Therefore, it has been classified as a Variant of Uncertain Significance.